The following is an entry in ClinVar:

ClinVar aggregate classification (germline): Uncertain significance (1 of 4 stars; one submission).

Allele frequency attached by ClinVar (database versions not stated): gnomAD exomes below 0.00001.
gnomAD v4.1: 5 of 1,614,142 alleles (0.00031%); highest among the groups gnomAD compares: South Asian, 0.0055%; no homozygotes.

Submission:

Labcorp Genetics (formerly Invitae), Labcorp
Classification: Uncertain significance. Last evaluated: 2022-05-30. Review status: criteria provided, single submitter. Criteria: Invitae Variant Classification Sherloc (09022015). Collection method: clinical testing. Allele origin: germline.
Comment: This variant is not present in population databases (gnomAD no frequency). This sequence change replaces threonine, which is neutral and polar, with isoleucine, which is neutral and non-polar, at codon 2140 of the HIVEP2 protein (p.Thr2140Ile). This variant has not been reported in the literature in individuals affected with HIVEP2-related conditions. Algorithms developed to predict the effect of missense changes on protein structure and function are either unavailable or do not agree on the potential impact of this missense change (SIFT: "Deleterious"; PolyPhen-2: "Benign"; Align-GVGD: "Class C0"). In summary, the available evidence is currently insufficient to determine the role of this variant in disease. Therefore, it has been classified as a Variant of Uncertain Significance.

NM_006734.4(HIVEP2):c.6419C>T (p.Thr2140Ile)

Gene: HIVEP2 (HIVEP zinc finger 2; minus strand). Cytogenetic location: 6q24.2.
Variant type: single nucleotide variant.
Coding change: c.6419C>T on transcript NM_006734.4 (MANE Select); coding-DNA position 6419, C replaced by T.
Protein change: p.Thr2140Ile; replaces threonine 2140 with isoleucine.
Molecular consequence: missense variant.
Genome position (GRCh38, 1-based): chr6:142,759,869, G>A on the plus strand (C>T on the coding strand, the complement: HIVEP2 is on the minus strand). VCF-style: chr6-142759869-G-A. GRCh37 (hg19) VCF-style: chr6-143081006-G-A.
Other names: short protein forms T2140I.
Identifiers: ClinVar variation 2001009 (VCV002001009.4), dbSNP rs2482766550, ClinGen allele CA365886780.